The following is an entry in ClinVar:

ClinVar aggregate classification (germline): Pathogenic (1 of 4 stars; one submission).

Conditions:
Rafiq syndrome (RAFQS). Identifiers: Orphanet 88616, MedGen C3280127, MONDO:0013624, OMIM 614202.

Allele frequency attached by ClinVar (database versions not stated): TOPMed below 0.00001; gnomAD exomes below 0.00001.

Submission:

Labcorp Genetics (formerly Invitae), Labcorp
Classification: Pathogenic for Rafiq syndrome. Last evaluated: 2025-07-27. Review status: criteria provided, single submitter. Criteria: Invitae Variant Classification Sherloc (09022015). Collection method: clinical testing. Allele origin: germline.
Comment: This sequence change creates a premature translational stop signal (p.Asp414*) in the MAN1B1 gene. It is expected to result in an absent or disrupted protein product. Loss-of-function variants in MAN1B1 are known to be pathogenic (PMID: 24566669). This variant is not present in population databases (gnomAD no frequency). This variant has not been reported in the literature in individuals affected with MAN1B1-related conditions. ClinVar contains an entry for this variant (Variation ID: 2087749). For these reasons, this variant has been classified as Pathogenic.

Literature cited by the submitters: PubMed 24566669.

NM_016219.5(MAN1B1):c.1236_1237del (p.Gly413_Asp414insTer)

Gene: MAN1B1 (mannosidase alpha class 1B member 1; plus strand). Cytogenetic location: 9q34.3.
Variant type: Deletion.
Coding change: c.1236_1237del on transcript NM_016219.5 (MANE Select); coding-DNA positions 1236 to 1237, 2 bases deleted (AG; older notation c.1236_1237delAG).
Protein change: p.Gly413_Asp414insTer.
Molecular consequence: frameshift variant. On other transcripts: nonsense (1), non-coding transcript variant (2).
Genome position (GRCh38, 1-based): chr9:137,101,654-137,101,655, AG deleted. VCF-style (leftmost placement, unchanged base first): chr9-137101653-CAG-C. GRCh37 (hg19) VCF-style: chr9-139996105-CAG-C.
Other names: c.1128_1129delAG, p.Asp378Terfs (NM_007230.1).
Identifiers: ClinVar variation 2087749 (VCV002087749.4), dbSNP rs1830815799, ClinGen allele CA1884294865.